The following is an entry in ClinVar:

ClinVar aggregate classification (germline): Likely benign (1 of 4 stars; one submission).

Allele frequency attached by ClinVar (database versions not stated): TOPMed 0.00874; 1000 Genomes Project 30x 0.00890; 1000 Genomes Project 0.00899; gnomAD 0.00793 and 0.00849.
gnomAD v4.1: 1,194 of 152,296 alleles (0.78%); highest among the groups gnomAD compares: African/African-American, 2.8%; 20 homozygotes.

Submission:

GeneDx
Classification: Likely benign. Last evaluated: 2018-06-14. Review status: criteria provided, single submitter. Criteria: GeneDx Variant Classification (06012015). Collection method: clinical testing. Allele origin: germline. Affected: yes.
Comment: This variant is considered likely benign or benign based on one or more of the following criteria: it is a conservative change, it occurs at a poorly conserved position in the protein, it is predicted to be benign by multiple in silico algorithms, and/or has population frequency not consistent with disease.

NM_001042492.3(NF1):c.1846-178A>C

Gene: NF1 (neurofibromin 1; plus strand). Cytogenetic location: 17q11.2.
Variant type: single nucleotide variant.
Coding change: c.1846-178A>C on transcript NM_001042492.3 (MANE Select); 178 bases into the intron before coding-DNA position 1846, A replaced by C.
Molecular consequence: intron variant.
Genome position (GRCh38, 1-based): chr17:31,224,917, A>C. VCF-style: chr17-31224917-A-C. GRCh37 (hg19) VCF-style: chr17-29551935-A-C.
Other names: c.1846-178A>C (NM_000267.4).
Identifiers: ClinVar variation 561516 (VCV000561516.1), dbSNP rs17880727, ClinGen allele CA289361839.
Genomic context (GRCh38, chr17:31,224,917, plus strand): 5'-TTGTAGAATCTACTGTTTCTGATGATTTAGAGAATGGGAAACTGAAAGAAATTTTAAAGA[A>C]TTAAGTAAACCTTGTTTGTTCTAATGGGTTTCTAGTGAATCTCCTTCAAGTTGGGGCATA-3'